The following is an entry in ClinVar:

NM_019066.5(MAGEL2):c.1441C>G (p.Gln481Glu)

Gene: MAGEL2 (MAGE family member L2; minus strand). Cytogenetic location: 15q11.2.
Variant type: single nucleotide variant.
Coding change: c.1441C>G on transcript NM_019066.5 (MANE Select); coding-DNA position 1441, C replaced by G.
Protein change: p.Gln481Glu; replaces glutamine 481 with glutamic acid.
Molecular consequence: missense variant.
Genome position (GRCh38, 1-based): chr15:23,646,302, G>C on the plus strand (C>G on the coding strand, the complement: MAGEL2 is on the minus strand). VCF-style: chr15-23646302-G-C. GRCh37 (hg19) VCF-style: chr15-23891449-G-C.
Other names: c.1441C>G (NM_019066.4); short protein forms Q481E.
Identifiers: ClinVar variation 2893977 (VCV002893977.4), dbSNP rs1289955796, ClinGen allele CA391334038.
Genomic context (GRCh38, chr15:23,646,302, plus strand): 5'-GGATGGGCGGCGGCGCCTGGCGGATCAGCGGCGGGGCCTGGCGGATCACAGGTGGAGCCT[G>C]GCGGATCACAGGTGGGGCCTGGCGGATCACAGGTGGGGCCTGGCGGATCACAGCGGGGGC-3'
Protein context (NP_061939.3, residues 471-491): VIRQAPPVIR[Gln481Glu]APPVIRQAPP

ClinVar aggregate classification (germline): Uncertain significance. Review status: criteria provided, multiple submitters, no conflicts (2 of 4 stars). 2 submissions from 2 submitters: Uncertain significance (2). Last evaluated 2024-05-30.

Conditions:
Inborn genetic diseases. Identifiers: MedGen C0950123, MeSH D030342.

Allele frequency attached by ClinVar (database versions not stated): gnomAD exomes below 0.00001; gnomAD 0.00004; TOPMed 0.00004.
gnomAD v4.1: 9 of 1,373,132 alleles (0.00066%); highest among the groups gnomAD compares: East Asian, 0.024%; no homozygotes.

Submissions (2):

Ambry Genetics
Classification: Uncertain significance for Inborn genetic diseases. Last evaluated: 2024-05-30. Review status: criteria provided, single submitter. Criteria: Ambry Variant Classification Scheme 2023. Collection method: clinical testing. Allele origin: germline.

Labcorp Genetics (formerly Invitae), Labcorp
Classification: Uncertain significance. Last evaluated: 2023-02-20. Review status: criteria provided, single submitter. Criteria: Invitae Variant Classification Sherloc (09022015). Collection method: clinical testing. Allele origin: germline.
Comment: This sequence change replaces glutamine, which is neutral and polar, with glutamic acid, which is acidic and polar, at codon 481 of the MAGEL2 protein (p.Gln481Glu). This variant is present in population databases (no rsID available, gnomAD 0.1%). This variant has not been reported in the literature in individuals affected with MAGEL2-related conditions. Experimental studies and prediction algorithms are not available or were not evaluated, and the functional significance of this variant is currently unknown. In summary, the available evidence is currently insufficient to determine the role of this variant in disease. Therefore, it has been classified as a Variant of Uncertain Significance.